The following is an entry in ClinVar:

ClinVar aggregate classification (germline): Uncertain significance. Review status: criteria provided, multiple submitters, no conflicts (2 of 4 stars). 3 submissions from 3 submitters: Uncertain significance (3). Last evaluated 2024-07-09.

Conditions:
Walker-Warburg congenital muscular dystrophy. Also called: Muscular dystrophy-dystroglycanopathy, type A; Walker-Warburg syndrome. Identifiers: Orphanet 899, MedGen C0265221, MONDO:0000171.
Cardiovascular phenotype. Identifiers: MedGen CN230736.

Submissions (3):

Ambry Genetics
Classification: Uncertain significance for Cardiovascular phenotype. Last evaluated: 2024-07-09. Review status: criteria provided, single submitter. Criteria: Ambry Variant Classification Scheme 2023. Collection method: clinical testing. Allele origin: germline.
Comment: The p.R216Q variant (also known as c.647G>A), located in coding exon 1 of the FKRP gene, results from a G to A substitution at nucleotide position 647. The arginine at codon 216 is replaced by glutamine, an amino acid with highly similar properties. This amino acid position is well conserved in available vertebrate species. In addition, the in silico prediction for this alteration is inconclusive. Based on the available evidence, the clinical significance of this variant remains unclear.

Labcorp Genetics (formerly Invitae), Labcorp
Classification: Uncertain significance for Walker-Warburg congenital muscular dystrophy. Last evaluated: 2021-08-26. Review status: criteria provided, single submitter. Criteria: Invitae Variant Classification Sherloc (09022015). Collection method: clinical testing. Allele origin: germline.
Comment: This sequence change replaces arginine with glutamine at codon 216 of the FKRP protein (p.Arg216Gln). The arginine residue is highly conserved and there is a small physicochemical difference between arginine and glutamine. The frequency data for this variant in the population databases is considered unreliable, as metrics indicate insufficient coverage at this position in the ExAC database. This variant has not been reported in the literature in individuals affected with FKRP-related conditions. ClinVar contains an entry for this variant (Variation ID: 197345). Algorithms developed to predict the effect of missense changes on protein structure and function are either unavailable or do not agree on the potential impact of this missense change (SIFT: "Tolerated"; PolyPhen-2: "Possibly Damaging"; Align-GVGD: "Class C0"). Algorithms developed to predict the effect of sequence changes on RNA splicing suggest that this variant may create or strengthen a splice site. In summary, the available evidence is currently insufficient to determine the role of this variant in disease. Therefore, it has been classified as a Variant of Uncertain Significance.

Eurofins Ntd Llc (ga)
Classification: Uncertain significance. Last evaluated: 2015-02-12. Review status: criteria provided, single submitter. Criteria: EGL Classification Definitions 2015. Collection method: clinical testing. Allele origin: germline. Observed: 1 variant allele, 1 heterozygote.

NM_024301.5(FKRP):c.647G>A (p.Arg216Gln)

Gene: FKRP (fukutin related protein; plus strand). Cytogenetic location: 19q13.32.
Variant type: single nucleotide variant.
Coding change: c.647G>A on transcript NM_024301.5 (MANE Select); coding-DNA position 647, G replaced by A.
Protein change: p.Arg216Gln; replaces arginine 216 with glutamine.
Molecular consequence: missense variant.
Genome position (GRCh38, 1-based): chr19:46,756,097, G>A. VCF-style: chr19-46756097-G-A. GRCh37 (hg19) VCF-style: chr19-47259354-G-A.
Other names: c.647G>A, p.Arg216Gln (NM_001039885.3); c.647G>A (NM_024301.4); short protein forms R216Q.
Identifiers: ClinVar variation 197345 (VCV000197345.11), dbSNP rs794727652, ClinGen allele CA245432.